The following is an entry in ClinVar:

NM_000352.6(ABCC8):c.3989-9G>A

Gene: ABCC8 (ATP binding cassette subfamily C member 8; minus strand). Cytogenetic location: 11p15.1.
Variant type: single nucleotide variant.
Coding change: c.3989-9G>A on transcript NM_000352.6 (MANE Select); 9 bases into the intron before coding-DNA position 3989, G replaced by A.
Molecular consequence: intron variant. On other transcripts: non-coding transcript variant (1).
Genome position (GRCh38, 1-based): chr11:17,397,055, C>T on the plus strand (G>A on the coding strand, the complement: ABCC8 is on the minus strand). VCF-style: chr11-17397055-C-T. GRCh37 (hg19) VCF-style: chr11-17418602-C-T.
Other names: 3992-9G>A; IVS32, G-A, -9, EXON ALPHA DEL; c.3986-9G>A (NM_001351297.2); c.3989-9G>A (NM_001351296.2); c.4055-9G>A (NM_001351295.2); c.3992-9G>A (NM_001287174.3).
Identifiers: ClinVar variation 9088 (VCV000009088.56), dbSNP rs151344623, ClinGen allele CA233276.
Genomic context (GRCh38, chr11:17,397,055, plus strand): 5'-TGGATCTGGATCTTCCCTTGGTCTGGCCAGTTCTTTGGGATCAGCGATGGTGCTGGGGGC[C>T]GGGCTGGGCTCAGCCACCAGGCATGGGCCACAGCTAGTATCCGAAAGTGCCACCCCATCC-3'

ClinVar aggregate classification (germline): Pathogenic. Review status: criteria provided, multiple submitters, no conflicts (2 of 4 stars). 22 submissions from 22 submitters: Pathogenic (18). 4 of the submissions do not count toward it. Last evaluated 2026-03-24.

Conditions:
Hereditary hyperinsulinism.
Transitory neonatal diabetes mellitus. Also called: Transient neonatal diabetes mellitus. Identifiers: MedGen C0342273, MONDO:0020525, HP:0008255.
Maturity-onset diabetes of the young (MODY). Also called: Maturity onset diabetes mellitus in young. Identifiers: Orphanet 552, MedGen C0342276, MONDO:0018911, HP:0004904.
Intermediate DEND syndrome. Identifiers: Orphanet 99989, MedGen C5680423, MONDO:0020569.
DEND syndrome. Identifiers: Orphanet 79134, MedGen C4303593, MONDO:0019207.
Permanent neonatal diabetes mellitus (PNDM). Identifiers: Orphanet 99885, MedGen C1833104, MONDO:0100164, MONDO:0011643. Disease mechanism: gain of function.
ABCC8-related disorder.
Type 2 diabetes mellitus. Also called: Type II diabetes mellitus. Identifiers: MedGen C0011860, MeSH D003924, MONDO:0005148, OMIM 125853, HP:0005978.
Diabetes mellitus, permanent neonatal 3. Also called: ABCC8-Related Permanent Neonatal Diabetes Mellitus. Identifiers: MedGen C5394303, MONDO:0030088, OMIM 618857.
Hyperinsulinemic hypoglycemia, familial, 1 (HHF1). Also called: Persistent Hyperinsulinemia Hypoglycemia of Infancy; Persistent hyperinsulinemic hypoglycemia of infancy; HYPERINSULINISM, FAMILIAL, WITH PANCREATIC NESIDIOBLASTOSIS; HYPOGLYCEMIA, HYPERINSULINEMIC, OF INFANCY; NESIDIOBLASTOSIS OF PANCREAS. Identifiers: Orphanet 276575, Orphanet 276598, MedGen C2931832, MONDO:0009734, OMIM 256450.
Leucine-induced hypoglycemia (LIH). Also called: LEUCINE-SENSITIVE HYPOGLYCEMIA OF INFANCY. Identifiers: MedGen C0271714, MONDO:0009415, OMIM 240800.
Diabetes mellitus, transient neonatal, 2 (TNDM2). Identifiers: Orphanet 99886, MedGen C1835887, MONDO:0012480, OMIM 610374. Disease mechanism: loss of function.
Inborn genetic diseases. Identifiers: MedGen C0950123, MeSH D030342.
Familial hyperinsulinism. Also called: Congenital hyperinsulinism. Identifiers: Orphanet 276525, MedGen C3888018, MONDO:0017182. Disease mechanism: loss of function.

Allele frequency attached by ClinVar (database versions not stated): gnomAD 0.00018 and 0.00019; 1000 Genomes Project 0.00020; gnomAD exomes 0.00017 and 0.00033; 1000 Genomes Project 30x 0.00016; TOPMed 0.00017; ExAC 0.00018.

Submissions 1 to 9 of 22:

Dasa
Classification: Pathogenic. Last evaluated: 2026-03-24. Review status: criteria provided, single submitter. Criteria: DASA Assertion Criteria. Collection method: clinical testing. Allele origin: germline.
Comment: NM_000352.6(ABCC8):c.3989-9G>A introduces a premature termination codon predicted to result in loss of normal protein function. Loss-of-function is an established mechanism of disease for this gene. This variant has been observed in affected individuals with related phenotype in a genotype context consistent with recessive disease (PMID: 8923011; PMID: 7716548; PMID: 37216904; PMID: 36239000; PMID: 36294341). Functional evidence supports a deleterious effect on the gene or gene product (PMID: 8923011; PMID: 7716548; PMID: 37216904; PMID: 36239000; PMID: 36294341). This variant has been recurrently observed in individuals with related phenotype (PMID: 8923011; PMID: 7716548; PMID: 37216904; PMID: 36239000; PMID: 36294341). The variant is present at low frequency in population datasets. Based on the available data, this variant is classified as pathogenic.

Labcorp Genetics (formerly Invitae), Labcorp
Classification: Pathogenic. Last evaluated: 2026-01-28. Review status: criteria provided, single submitter. Criteria: Invitae Variant Classification Sherloc (09022015). Collection method: clinical testing. Allele origin: germline.
Comment: This sequence change falls in intron 32 of the ABCC8 gene. It does not directly change the encoded amino acid sequence of the ABCC8 protein. This variant is present in population databases (rs151344623, gnomAD 0.6%). This variant has been observed in individual(s) with autosomal recessive familial hyperinsulinism (PMID: 7716548, 27754802). It is commonly reported in individuals of Ashkenazi Jewish ancestry (PMID: 8923011, 21716120). This variant is also known as 3992–9g→a. ClinVar contains an entry for this variant (Variation ID: 9088). Studies have shown that this variant alters mRNA splicing and is expected to lead to the loss of protein expression (PMID: 7716548). For these reasons, this variant has been classified as Pathogenic.

3billion
Classification: Pathogenic for Hyperinsulinemic hypoglycemia, familial, 1. Last evaluated: 2025-05-28. Review status: criteria provided, single submitter. Criteria: ACMG Guidelines, 2015. Collection method: clinical testing. Allele origin: germline. Affected: yes.
Comment: The variant is observed at an extremely low frequency in the gnomAD v4.1.0 dataset (total allele frequency: 0.018%). Predicted Consequence/Location: Intron variant In silico tools predict the variant to alter splicing and produce an abnormal transcript [SpliceAI: 0.70 (>=0.2, moderate evidence for spliceogenicity)]. The variant has been reported to be in trans with a pathogenic variant as either compound heterozygous or homozygous in at least one similarly affected unrelated individual (PMID: 25306193). The variant has been reported to co-segregate with the disease in at least 3 similarly affected relatives/individuals in the same family or similarly affected unrelated families (PMID: 27754802, 7716548). The variant has been reported at least twice as pathogenic with clinical assertions and evidence for the classification (ClinVar ID: VCV000009088 /PMID: 7716548 /3billion dataset). Therefore, this variant is classified as Pathogenic according to the recommendation of ACMG/AMP guideline.

Women's Health and Genetics/Laboratory Corporation of America, LabCorp
Classification: Pathogenic for Familial hyperinsulinism. Last evaluated: 2025-03-05. Review status: criteria provided, single submitter. Criteria: LabCorp Variant Classification Summary - May 2015. Collection method: clinical testing. Allele origin: germline.
Comment: Variant summary: ABCC8 c.3989-9G>A alters a nucleotide located at a position not widely known to affect splicing. Consensus agreement among computation tools predict no significant impact on normal splicing. Functional study shows that this variant leads to aberrant splicing, resulting in a 7-bp addition, a 20-bp deletion, or 30-bp deletion of exon 32 that encodes NBF-2 (nucleotide binding fold 2) of the protein (Thomas_1995). The variant allele was found at a frequency of 0.0015 in 294100 control chromosomes. This frequency is not significantly higher than estimated for a pathogenic variant in ABCC8 causing Congenital Hyperinsulinism (0.0015 vs 0.0034), allowing no conclusion about variant significance. c.3989-9G>A has been reported in the literature in multiple individuals affected with Congenital Hyperinsulinism (Thomas_1995, Tornovsky_2004, Nestorowicz_1996, Glaser_2011). These data indicate that the variant is very likely to be associated with disease. The following publications have been ascertained in the context of this evaluation (PMID: 7716548, 15579781, 8923011, 21716120). ClinVar contains an entry for this variant (Variation ID: 9088). Based on the evidence outlined above, the variant was classified as pathogenic.

Natera, Inc.
Classification: Pathogenic for Hereditary hyperinsulinism. Last evaluated: 2024-12-16. Review status: criteria provided, single submitter. Criteria: Natera Variant Classification Schema (03/2026). Collection method: clinical testing. Allele origin: germline.
Comment: The c.3989-9G>A variant in ABCC8 is an intronic variant located outside the canonical splice sites. The frequency of this variant in the general population is greater than expected for disorder. This variant has been observed in one or more individuals affected with the associated recessive disease, as either homozygous or compound heterozygous with a second variant (PMID: 7716548, 27754802, 17893264, 11272143). Additionally, this variant has been observed to segregate in affected family members (PMID: 7716548, 27754802, 11272143). Functional studies show that this variant may disrupt protein function (PMID: 7716548). Computational prediction algorithms indicate this variant is likely to affect gene or protein function. Given the available evidence, this variant is classified as Pathogenic.

Revvity Omics, Revvity
Classification: Pathogenic. Last evaluated: 2024-11-14. Review status: criteria provided, single submitter. Criteria: ACMG Guidelines, 2015. Collection method: clinical testing. Allele origin: germline.

Blueprint Genetics
Classification: Pathogenic for ABCC8-related disorders. Last evaluated: 2024-09-24. Review status: criteria provided, single submitter. Criteria: ACMG Guidelines, 2015. Collection method: clinical testing. Allele origin: germline. Affected: yes. Observed: 5 variant alleles.

Fulgent Genetics
Classification: Pathogenic for Type 2 diabetes mellitus; Leucine-induced hypoglycemia; Hyperinsulinemic hypoglycemia, familial, 1; Diabetes mellitus, transient neonatal, 2; Diabetes mellitus, permanent neonatal 3. Last evaluated: 2024-04-17. Review status: criteria provided, single submitter. Criteria: ACMG Guidelines, 2015. Collection method: clinical testing. Allele origin: germline.

Baylor Genetics
Classification: Pathogenic for Type 2 diabetes mellitus. Last evaluated: 2024-03-30. Review status: criteria provided, single submitter. Criteria: ACMG Guidelines, 2015. Collection method: clinical testing. Allele origin: unknown.